The following is an entry in ClinVar:

ClinVar aggregate classification (germline): Benign/Likely benign. Review status: criteria provided, multiple submitters, no conflicts (2 of 4 stars). 6 submissions from 6 submitters: Benign (4); Likely benign (1). 1 of the submissions does not count toward it. Last evaluated 2026-08-01.

Conditions:
Cardiovascular phenotype. Identifiers: MedGen CN230736.
MYOM1-related disorder.
Hypertrophic cardiomyopathy. Also called: HYPERTROPHIC MYOCARDIOPATHY. Identifiers: Orphanet 217569, MedGen C0007194, MeSH D002312, MONDO:0005045, HP:0001639.

Allele frequency attached by ClinVar (database versions not stated): 1000 Genomes Project 30x 0.00234; 1000 Genomes Project 0.00240; ESP Exome Variant Server 0.00271; TOPMed 0.00371; ExAC 0.00578; gnomAD exomes 0.00638; gnomAD 0.00645 and 0.00679.
gnomAD v4.1: 9,710 of 1,613,888 alleles (0.6%); highest among the groups gnomAD compares: Non-Finnish European, 0.54%; 71 homozygotes.

Submissions (6):

CeGaT Center for Human Genetics Tuebingen
Classification: Likely benign. Last evaluated: 2026-08-01. Review status: criteria provided, single submitter. Criteria: CeGaT Center For Human Genetics Tuebingen Variant Classification Criteria Version 2. Collection method: clinical testing. Allele origin: germline. Affected: yes. Observed: 3 variant alleles.
Comment: MYOM1: BS2

Labcorp Genetics (formerly Invitae), Labcorp
Classification: Benign for Hypertrophic cardiomyopathy. Last evaluated: 2026-02-01. Review status: criteria provided, single submitter. Criteria: Invitae Variant Classification Sherloc (09022015). Collection method: clinical testing. Allele origin: germline.

Laboratory for Molecular Medicine, Mass General Brigham Personalized Medicine
Classification: Benign. Last evaluated: 2014-11-24. Review status: criteria provided, single submitter. Criteria: LMM Criteria. Collection method: clinical testing. Allele origin: germline. Observed: 2 variant alleles.
Comment: Glu704Lys in exon 15 of MYOM1: This variant is not expected to have clinical sig nificance because it has been identified in 3.2% (6/186) of Finnish chromosomes from a broad population by the 1000 Genomes Project (/projects/SNP; dbSNP rs149528866).

Ambry Genetics
Classification: Benign for Cardiovascular phenotype. Last evaluated: 2013-01-17. Review status: criteria provided, single submitter. Criteria: Ambry Autosomal Dominant and X-Linked criteria (10/2015). Collection method: clinical testing. Allele origin: germline. Observed: 1 variant allele.
Comment: General population or subpopulation frequency is too high to be a pathogenic mutation based on disease/syndrome prevalence and penetrance

Breakthrough Genomics
Classification: Benign. Review status: criteria provided, single submitter. Criteria: ACMG Guidelines, 2015. Collection method: not provided. Allele origin: germline. Inheritance: Unknown mechanism. Affected: yes.

PreventionGenetics, part of Exact Sciences
Classification: Benign for MYOM1-related condition. Last evaluated: 2019-07-25. Review status: no assertion criteria provided. Collection method: clinical testing. Allele origin: germline. Not counted in ClinVar's aggregate classification.
Comment: This variant is classified as benign based on ACMG/AMP sequence variant interpretation guidelines (Richards et al. 2015 PMID: 25741868, with internal and published modifications).

NM_003803.4(MYOM1):c.2110G>A (p.Glu704Lys)

Gene: MYOM1 (myomesin 1; minus strand). Cytogenetic location: 18p11.31.
Variant type: single nucleotide variant.
Coding change: c.2110G>A on transcript NM_003803.4 (MANE Select); coding-DNA position 2110, G replaced by A.
Protein change: p.Glu704Lys; replaces glutamic acid 704 with lysine.
Molecular consequence: missense variant.
Genome position (GRCh38, 1-based): chr18:3,135,646, C>T on the plus strand (G>A on the coding strand, the complement: MYOM1 is on the minus strand). VCF-style: chr18-3135646-C-T. GRCh37 (hg19) VCF-style: chr18-3135644-C-T.
Other names: c.2110G>A, p.Glu704Lys (NM_019856.2); short protein forms E704K.
Identifiers: ClinVar variation 226809 (VCV000226809.31), dbSNP rs149528866, ClinGen allele CA8874744.